The following is an entry in ClinVar:

NC_000007.14:g.146096986_146099665del

Variant type: Deletion.
Genome position: GRCh38: chr7:146,096,986-146,099,665. GRCh37 (hg19): chr7:145,794,079-145,796,758.
Identifiers: ClinVar variation 157078 (VCV000157078.3), ClinGen allele CA212202.

ClinVar aggregate classification (germline): not provided (0 of 4 stars; one submission).

Conditions:
Preeclampsia. Identifiers: Orphanet 275555, MedGen C0032914, MONDO:0005081, HP:0100602.

Submission:

Institute of Molecular and Cell Biology, University of Tartu
No classification provided. Condition: Preeclampsia. Review status: no classification provided. Collection method: case-control. Allele origin: unknown. Affected: yes. Study: Kasak2014.
Comment: The study aimed to determine the contribution of copy number variants in the genetic etiology of normal and complicated pregnancies. The samples represented (i) maternal blood DNA drawn from healthy pregnant women during 1st or 2nd trimester and (ii) maternal and paternal blood DNA drawn at term pregnancy cases representing normal and complicated gestations (severe preeclampsia, PE; gestational diabetes, GD; small-for-gestational age newborn, SGA; large-for-gestational age newborn, LGA). We performed CNV calling based on genome-wide genotyping dataset (Illumina HumanOmniExpress-24-v1 BeadChip) by applying three algorithms, QuantiSNP, GADA (Genome Alteration Detection Algorithm) and CNstream in parallel. The acquired CNV calls were merged with HD-CNV (Hotspot Detector for Copy Number Variants) program and only the CNVs predicted by at least two programs, were considered in subsequent analysis.

Literature cited by the submitters: PubMed 25666259.